The following is an entry in ClinVar:

NM_004006.3(DMD):c.9511G>A (p.Val3171Ile)

Gene: DMD (dystrophin; minus strand). Cytogenetic location: Xp21.2.
Variant type: single nucleotide variant.
Coding change: c.9511G>A on transcript NM_004006.3 (MANE Select); coding-DNA position 9511, G replaced by A.
Protein change: p.Val3171Ile; replaces valine 3171 with isoleucine.
Molecular consequence: missense variant.
Genome position (GRCh38, 1-based): chrX:31,209,550, C>T on the plus strand (G>A on the coding strand, the complement: DMD is on the minus strand). VCF-style: chrX-31209550-C-T. GRCh37 (hg19) VCF-style: chrX-31227667-C-T.
Other names: c.9487G>A, p.Val3163Ile (NM_000109.4); c.9499G>A, p.Val3167Ile (NM_004009.3); c.9142G>A, p.Val3048Ile (NM_004010.3); c.5488G>A, p.Val1830Ile (NM_004011.4); c.5479G>A, p.Val1827Ile (NM_004012.4); c.2131G>A, p.Val711Ile (NM_004013.3, NM_004020.4, NM_004021.3 and 2 more transcripts); c.1324G>A, p.Val442Ile (NM_004014.3); c.307G>A, p.Val103Ile (NM_004015.3, NM_004016.3, NM_004017.3 and 2 more transcripts); short protein forms V1830I, V3163I, V3167I, V3171I, V1827I, V3048I, V103I, V442I.
Identifiers: ClinVar variation 2450350 (VCV002450350.3), dbSNP rs1233921144, ClinGen allele CA412649835.

ClinVar aggregate classification (germline): Uncertain significance (1 of 4 stars; one submission).

Conditions:
Cardiovascular phenotype. Identifiers: MedGen CN230736.

Allele frequency attached by ClinVar (database versions not stated): gnomAD exomes 0.00001.
gnomAD v4.1: 4 of 1,211,268 alleles (0.00033%); highest among the groups gnomAD compares: South Asian, 0.0035%; no homozygotes.

Submission:

Ambry Genetics
Classification: Uncertain significance for Cardiovascular phenotype. Last evaluated: 2025-08-27. Review status: criteria provided, single submitter. Criteria: Ambry Variant Classification Scheme 2023. Collection method: clinical testing. Allele origin: germline.
Comment: The p.V3171I variant (also known as c.9511G>A), located in coding exon 65 of the DMD gene, results from a G to A substitution at nucleotide position 9511. The valine at codon 3171 is replaced by isoleucine, an amino acid with highly similar properties. Based on data from gnomAD, the A allele has an overall frequency of 0.00005% (1/183425) total alleles studied, with 1 hemizygote observed. The highest observed frequency was 0.0052% (1/19079) of South Asian alleles. This amino acid position is highly conserved in available vertebrate species. In addition, this alteration is predicted to be tolerated by in silico analysis. Since supporting evidence is limited at this time, the clinical significance of this alteration remains unclear.